The following is an entry in ClinVar:

NM_000400.4(ERCC2):c.1017C>A (p.Tyr339Ter)

Gene: ERCC2 (ERCC excision repair 2, TFIIH core complex helicase subunit; minus strand). Cytogenetic location: 19q13.32.
Variant type: single nucleotide variant.
Coding change: c.1017C>A on transcript NM_000400.4 (MANE Select); coding-DNA position 1017, C replaced by A.
Protein change: p.Tyr339Ter; replaces tyrosine 339 with a stop codon.
Molecular consequence: nonsense.
Genome position (GRCh38, 1-based): chr19:45,363,844, G>T on the plus strand (C>A on the coding strand, the complement: ERCC2 is on the minus strand). VCF-style: chr19-45363844-G-T. GRCh37 (hg19) VCF-style: chr19-45867102-G-T.
Other names: c.945C>A, p.Tyr315Ter (NM_001130867.2); short protein forms Y315*, Y339*.
Identifiers: ClinVar variation 2169658 (VCV002169658.8), dbSNP rs1412068236, ClinGen allele CA406372750.
Genomic context (GRCh38, chr19:45,363,844, plus strand): 5'-GCTCAGGAAGGCGGGCGGGCTCTCCTGCACCACATGCTGCACACGCAGCCGCCACTTCAC[G>T]TACTCCAGCAGCCGCCTCAGGAAGCCCAGGAAATGCTCGGCCGTGCGGATGGAGCCAGGC-3'

ClinVar aggregate classification (germline): Pathogenic/Likely pathogenic. Review status: criteria provided, multiple submitters, no conflicts (2 of 4 stars). 4 submissions from 4 submitters: Pathogenic (2); Likely pathogenic (2). Last evaluated 2024-05-29.

Conditions:
Xeroderma pigmentosum, group D (XPD). Also called: XERODERMA PIGMENTOSUM, COMPLEMENTATION GROUP D; XERODERMA PIGMENTOSUM IV; XP, GROUP D; XP, GROUP H; ERCC2-Related Xeroderma Pigmentosum. Identifiers: MedGen C0268138, MONDO:0010212, OMIM 278730.
Trichothiodystrophy 1, photosensitive (TTD1). Also called: TAY SYNDROME; TRICHOTHIODYSTROPHY WITH CONGENITAL ICHTHYOSIS; PIBIDS SYNDROME. Identifiers: Orphanet 33364, MedGen C1866504, MONDO:0011125, OMIM 601675.
Cerebrooculofacioskeletal syndrome 2 (COFS2). Identifiers: MedGen C1853102, MONDO:0012553, OMIM 610756.
ERCC2-related disorder. Also called: ERCC2-related conditions; ERCC2-related condition; ERCC2-related disorders. Identifiers: MedGen CN239291.

Submissions (4):

Myriad Genetics, Inc.
Classification: Pathogenic for ERCC2-related disorder. Last evaluated: 2024-05-29. Review status: criteria provided, single submitter. Criteria: Myriad Autosomal Dominant, Autosomal Recessive and X-Linked Classification Criteria (2023). Collection method: clinical testing. Allele origin: unknown.
Comment: NM_000400.3(ERCC2):c.1017C>A(Y339*) is expected to be pathogenic in the context of ERCC2-related disorders. This variant is predicted to lead to an abnormal or absent protein product due to the creation of a premature termination codon in ERCC2, a gene where loss-of-function variants are known to be pathogenic. Please note: this variant was assessed in the context of healthy population screening.

Baylor Genetics
Classification: Likely pathogenic for Cerebrooculofacioskeletal syndrome 2. Last evaluated: 2024-02-27. Review status: criteria provided, single submitter. Criteria: ACMG Guidelines, 2015. Collection method: clinical testing. Allele origin: unknown.

Fulgent Genetics
Classification: Likely pathogenic for Xeroderma pigmentosum, group D; Trichothiodystrophy 1, photosensitive; Cerebrooculofacioskeletal syndrome 2. Last evaluated: 2024-01-26. Review status: criteria provided, single submitter. Criteria: ACMG Guidelines, 2015. Collection method: clinical testing. Allele origin: germline.

Labcorp Genetics (formerly Invitae), Labcorp
Classification: Pathogenic. Last evaluated: 2023-08-04. Review status: criteria provided, single submitter. Criteria: Invitae Variant Classification Sherloc (09022015). Collection method: clinical testing. Allele origin: germline.
Comment: For these reasons, this variant has been classified as Pathogenic. Algorithms developed to predict the effect of sequence changes on RNA splicing suggest that this variant may create or strengthen a splice site. ClinVar contains an entry for this variant (Variation ID: 2169658). This variant has not been reported in the literature in individuals affected with ERCC2-related conditions. This variant is not present in population databases (gnomAD no frequency). This sequence change creates a premature translational stop signal (p.Tyr339*) in the ERCC2 gene. It is expected to result in an absent or disrupted protein product. Loss-of-function variants in ERCC2 are known to be pathogenic (PMID: 9238033, 11335038, 19085937, 19934020).

Literature cited by the submitters: PubMed 9238033 (cited by Labcorp Genetics (formerly Invitae), Labcorp); PubMed 11335038 (cited by Labcorp Genetics (formerly Invitae), Labcorp); PubMed 19085937 (cited by Labcorp Genetics (formerly Invitae), Labcorp); PubMed 19934020 (cited by Labcorp Genetics (formerly Invitae), Labcorp).